The following is an entry in ClinVar:

NM_001281775.3(ZMYND8):c.1588_1590del (p.Ser530del)

Gene: ZMYND8 (zinc finger MYND-type containing 8; minus strand). Cytogenetic location: 20q13.12.
Variant type: Deletion.
Coding change: c.1588_1590del on transcript NM_001281775.3 (MANE Select); coding-DNA positions 1588 to 1590, 3 bases deleted (TCC; older notation c.1588_1590delTCC).
Protein change: p.Ser530del; deletes serine 530.
Molecular consequence: intron variant (on NM_001281781.3).
Genome position (GRCh38, 1-based): chr20:47,262,319-47,262,321, GGA deleted on the plus strand (TCC on the coding strand, the reverse complement: ZMYND8 is on the minus strand); deleting any 3 consecutive bases within chr20:47,262,319-47,262,323 gives the same sequence; the c. name uses the placement nearest the transcript's 3' end. VCF-style (leftmost placement, unchanged base first): chr20-47262318-TGGA-T. GRCh37 (hg19) VCF-style: chr20-45891062-TGGA-T.
Other names: c.1513_1515del, p.Ser505del (NM_001281771.3, NM_183048.4, NM_001281777.3 and 2 more transcripts); c.1528_1530del, p.Ser510del (NM_001281772.3, NM_001281773.3, NM_001281774.3 and 1 more transcripts); c.1588_1590del, p.Ser530del (NM_012408.6, NM_183047.4, NM_001281776.3 and 1 more transcripts); c.1406-12882_1406-12880del (NM_001281781.3, NM_001281784.3); c.784_786del, p.Ser262del (NM_001281779.3, NM_001281780.3); c.1609_1611del, p.Ser537del (NM_001363714.1); short protein forms S262del, S505del, S510del, S530del, S537del.
Identifiers: ClinVar variation 3906359 (VCV003906359.2).
Genomic context (GRCh38, chr20:47,262,318, plus strand): 5'-AGAAAGATACTGGCAAAAATTCTGACTGACCCAGGTTAAGATTCAGGATGCTGCCGGTGG[TGGA>T]GGTTTTGTCCGTTTTCGTCGTGATAGGAGCTGACAGTTGAGGAGAGAAGGGCTTTGGGCT-3'

ClinVar aggregate classification (germline): Uncertain significance (1 of 4 stars; one submission).

Submission:

GeneDx
Classification: Uncertain significance. Last evaluated: 2025-09-12. Review status: criteria provided, single submitter. Criteria: GeneDx Variant Classification Process June 2021. Collection method: clinical testing. Allele origin: germline.
Comment: In-frame deletion of 1 amino acid in a non-repeat region; Not observed at significant frequency in large population cohorts (gnomAD); In silico analysis supports a deleterious effect on protein structure/function; Has not been previously published as pathogenic or benign to our knowledge